The following is an entry in ClinVar:

NM_004370.6(COL12A1):c.1801G>C (p.Asp601His)

Gene: COL12A1 (collagen type XII alpha 1 chain; minus strand). Cytogenetic location: 6q13.
Variant type: single nucleotide variant.
Coding change: c.1801G>C on transcript NM_004370.6 (MANE Select); coding-DNA position 1801, G replaced by C.
Protein change: p.Asp601His; replaces aspartic acid 601 with histidine.
Molecular consequence: missense variant. On other transcripts: intron variant (2).
Genome position (GRCh38, 1-based): chr6:75,183,140, C>G on the plus strand (G>C on the coding strand, the complement: COL12A1 is on the minus strand). VCF-style: chr6-75183140-C-G. GRCh37 (hg19) VCF-style: chr6-75892856-C-G.
Other names: c.1801G>C, p.Asp601His (NM_001424113.1, NM_001424114.1, NM_001424115.1); c.73+19580G>C (NM_001424116.1, NM_080645.3); short protein forms D601H.
Identifiers: ClinVar variation 3756084 (VCV003756084.2).
Genomic context (GRCh38, chr6:75,183,140, plus strand): 5'-CAATTCTAAGGCAGATAGACTGTGTGAGTTCAAAAGATATCCTCTGAAAAGCATCAAAAT[C>G]TTCCACTGTGAACACATGGGTCTCTGCAGGAGGAGAGGCAATAGCTTCCAATTCTGAGCG-3'
Protein context (NP_004361.3, residues 591-611): PAETHVFTVE[Asp601His]FDAFQRISFE

ClinVar aggregate classification (germline): Uncertain significance (1 of 4 stars; one submission).

Conditions:
Ullrich congenital muscular dystrophy 2 (UCMD2). Identifiers: Orphanet 75840, MedGen C4225314, MONDO:0014654, OMIM 616470.
Bethlem myopathy 2 (BTHLM2). Identifiers: Orphanet 536516, Orphanet 610, MedGen C4225313, MONDO:0034022, OMIM 616471.

Submission:

Labcorp Genetics (formerly Invitae), Labcorp
Classification: Uncertain significance for Bethlem myopathy 2; Ullrich congenital muscular dystrophy 2. Last evaluated: 2024-04-27. Review status: criteria provided, single submitter. Criteria: Invitae Variant Classification Sherloc (09022015). Collection method: clinical testing. Allele origin: germline.
Comment: This sequence change replaces aspartic acid, which is acidic and polar, with histidine, which is basic and polar, at codon 601 of the COL12A1 protein (p.Asp601His). This variant is not present in population databases (gnomAD no frequency). This variant has not been reported in the literature in individuals affected with COL12A1-related conditions. Advanced modeling of protein sequence and biophysical properties (such as structural, functional, and spatial information, amino acid conservation, physicochemical variation, residue mobility, and thermodynamic stability) has been performed at Invitae for this missense variant, however the output from this modeling did not meet the statistical confidence thresholds required to predict the impact of this variant on COL12A1 protein function. In summary, the available evidence is currently insufficient to determine the role of this variant in disease. Therefore, it has been classified as a Variant of Uncertain Significance.